The following is an entry in ClinVar:

ClinVar aggregate classification (germline): Benign/Likely benign. Review status: criteria provided, multiple submitters, no conflicts (2 of 4 stars). 3 submissions from 3 submitters: Benign (1); Likely benign (2). Last evaluated 2025-04-29.

Conditions:
Hereditary cancer-predisposing syndrome. Also called: Neoplastic Syndromes, Hereditary; Hereditary Cancer Syndrome; Hereditary neoplastic syndrome; Tumor predisposition. Identifiers: Orphanet 140162, MedGen C0027672, MeSH D009386, MONDO:0015356.
Mitochondrial complex II deficiency, nuclear type 1. Also called: SUCCINATE CoQ REDUCTASE DEFICIENCY. Identifiers: Orphanet 3208, MedGen C5700310, MONDO:0100294, OMIM 252011.
Pheochromocytoma/paraganglioma syndrome 5. Also called: Paragangliomas 5; SDHA-Related Hereditary Paraganglioma-Pheochromocytoma Syndrome. Identifiers: Orphanet 29072, MedGen C3279992, MONDO:0013602, OMIM 614165.

Allele frequency attached by ClinVar (database versions not stated): TOPMed 0.00001.
gnomAD v4.1: 9 of 1,446,550 alleles (0.00062%); highest among the groups gnomAD compares: Non-Finnish European, 0.00081%; no homozygotes.

Submissions (3):

Labcorp Genetics (formerly Invitae), Labcorp
Classification: Likely benign for Pheochromocytoma/paraganglioma syndrome 5; Mitochondrial complex II deficiency, nuclear type 1. Last evaluated: 2025-04-29. Review status: criteria provided, single submitter. Criteria: Invitae Variant Classification Sherloc (09022015). Collection method: clinical testing. Allele origin: germline.

Myriad Genetics, Inc.
Classification: Benign for Pheochromocytoma/paraganglioma syndrome 5. Last evaluated: 2025-02-28. Review status: criteria provided, single submitter. Criteria: Myriad Autosomal Dominant, Autosomal Recessive and X-Linked Classification Criteria (2023). Collection method: clinical testing. Allele origin: unknown.
Comment: This variant is considered benign. This variant is a silent/synonymous amino acid change and it is not expected to impact splicing.

Ambry Genetics
Classification: Likely benign for Hereditary cancer-predisposing syndrome. Last evaluated: 2019-04-08. Review status: criteria provided, single submitter. Criteria: Ambry Variant Classification Scheme 2023. Collection method: clinical testing. Allele origin: germline.

NM_004168.4(SDHA):c.40C>A (p.Arg14=)

Gene: SDHA (succinate dehydrogenase complex flavoprotein subunit A; plus strand). Cytogenetic location: 5p15.33.
Variant type: single nucleotide variant.
Coding change: c.40C>A on transcript NM_004168.4 (MANE Select); coding-DNA position 40, C replaced by A.
Protein change: p.Arg14=; no amino-acid change (arginine 14 retained).
Molecular consequence: synonymous variant.
Genome position (GRCh38, 1-based): chr5:218,395, C>A. VCF-style: chr5-218395-C-A. GRCh37 (hg19) VCF-style: chr5-218510-C-A.
Other names: c.40C>A, p.Arg14= (NM_001294332.2, NM_001330758.2).
Identifiers: ClinVar variation 472386 (VCV000472386.22), dbSNP rs1192077362, ClinGen allele CA442689557.